The following is an entry in ClinVar:

ClinVar aggregate classification (germline): Likely pathogenic (0 of 4 stars; one submission).

Conditions:
Severe myoclonic epilepsy in infancy (DRVT). Also called: Dravet syndrome; SEVERE MYOCLONIC EPILEPSY OF INFANCY; Epileptic encephalopathy, early infantile, 6 (Dravet syndrome); DEVELOPMENTAL AND EPILEPTIC ENCEPHALOPATHY 6A; Severe Myoclonic Epilepsy in Infancy (SMEI). Identifiers: Orphanet 33069, MedGen C0751122, MONDO:0100135, OMIM 607208.

Submission:

VIB - Center for Molecular Neurology, University of Antwerp
Classification: Likely pathogenic for Severe myoclonic epilepsy in infancy. Last evaluated: 2018-09-19. Review status: no assertion criteria provided. Collection method: research. Allele origin: de novo. Inheritance: Autosomal dominant inheritance. Affected: yes.
Comment: The variant was validated with Sanger sequencing, and maternity and paternity was confirmed using the same in-house developed multiplex PCR panel.

NM_001165963.4(SCN1A):c.4338+616G>A

Genes: SCN1A (sodium voltage-gated channel alpha subunit 1; minus strand), LOC102724058 (uncharacterized LOC102724058; plus strand). Cytogenetic location: 2q24.3.
Variant type: single nucleotide variant.
Coding change: c.4338+616G>A on transcript NM_001165963.4 (MANE Select); 616 bases into the intron after coding-DNA position 4338, G replaced by A.
Molecular consequence: intron variant.
Genome position (GRCh38, 1-based): chr2:165,999,107, C>T on the plus strand (G>A on the coding strand, the complement: SCN1A is on the minus strand). VCF-style: chr2-165999107-C-T. GRCh37 (hg19) VCF-style: chr2-166855617-C-T.
Other names: c.4305+616G>A (NM_001353949.2, NM_001353950.2, NM_001353951.2 and 2 more transcripts); c.4254+616G>A (NM_001353958.2, NM_001353957.2, NM_001165964.3); c.4338+616G>A (NM_001202435.3, NM_001353948.2); c.4302+616G>A (NM_001353955.2, NM_001353954.2); c.4251+616G>A (NM_001353960.2); c.1896+616G>A (NM_001353961.2).
Identifiers: ClinVar variation 694270 (VCV000694270.1), dbSNP rs1366966423, ClinGen allele CA915942874.
Genomic context (GRCh38, chr2:165,999,107, plus strand): 5'-TTACAAAGTTTTGAAGAGCAAAGTTGGAATGAGCATGAATTTCAGTTTAGGTCTTGGAGC[C>T]TGAAAGAGGCTGAAATCAAATAAAATAGGTTTATATTTTGGTGATATACACTTAAAGGAA-3'